The following is an entry in ClinVar:

ClinVar aggregate classification (germline): Benign/Likely benign. Review status: criteria provided, multiple submitters, no conflicts (2 of 4 stars). 6 submissions from 6 submitters: Benign (1); Likely benign (5). Last evaluated 2026-02-01.

Conditions:
Nemaline myopathy 2 (NEM2). Also called: Nemaline myopathy 2, autosomal recessive. Identifiers: MedGen C1850569, MONDO:0009725, OMIM 256030.

Allele frequency attached by ClinVar (database versions not stated): gnomAD 0.00323 and 0.00345; TOPMed 0.00345; 1000 Genomes Project 30x 0.00390; ESP Exome Variant Server 0.00390; 1000 Genomes Project 0.00439.
gnomAD v4.1: 1,159 of 1,609,340 alleles (0.072%); highest among the groups gnomAD compares: African/African-American, 1.1%; 4 homozygotes.

Submissions (6):

Labcorp Genetics (formerly Invitae), Labcorp
Classification: Benign for Nemaline myopathy 2. Last evaluated: 2026-02-01. Review status: criteria provided, single submitter. Criteria: Invitae Variant Classification Sherloc (09022015). Collection method: clinical testing. Allele origin: germline.

Genomic Medicine Center of Excellence, King Faisal Specialist Hospital and Research Centre
Classification: Likely benign. Last evaluated: 2025-08-18. Review status: criteria provided, single submitter. Criteria: ACMG Guidelines, 2015. Collection method: clinical testing. Allele origin: germline.

Blueprint Genetics
Classification: Likely benign. Last evaluated: 2024-11-01. Review status: criteria provided, single submitter. Criteria: ACMG Guidelines, 2015. Collection method: clinical testing. Allele origin: germline.

GeneDx
Classification: Likely benign. Last evaluated: 2018-02-16. Review status: criteria provided, single submitter. Criteria: GeneDx Variant Classification (06012015). Collection method: clinical testing. Allele origin: germline. Affected: yes.
Comment: This variant is considered likely benign or benign based on one or more of the following criteria: it is a conservative change, it occurs at a poorly conserved position in the protein, it is predicted to be benign by multiple in silico algorithms, and/or has population frequency not consistent with disease.

Illumina Laboratory Services, Illumina
Classification: Likely benign for Nemaline myopathy 2. Last evaluated: 2018-01-13. Review status: criteria provided, single submitter. Criteria: ICSL Variant Classification Criteria 13 December 2019. Collection method: clinical testing. Allele origin: germline.
Comment: This variant was observed in the ICSL laboratory as part of a predisposition screen in an ostensibly healthy population. It had not been previously curated by ICSL or reported in the Human Gene Mutation Database (HGMD: prior to June 1st, 2018), and was therefore a candidate for classification through an automated scoring system. Utilizing variant allele frequency, disease prevalence and penetrance estimates, and inheritance mode, an automated score was calculated to assess if this variant is too frequent to cause the disease. Based on the score and internal cut-off values, a variant classified as likely benign is not then subjected to further curation. The score for this variant resulted in a classification of likely benign for this disease.

Breakthrough Genomics
Classification: Likely benign. Review status: criteria provided, single submitter. Criteria: ACMG Guidelines, 2015. Collection method: not provided. Allele origin: germline. Inheritance: Autosomal recessive inheritance. Affected: yes.

NM_001164508.2(NEB):c.1257+13A>T

Gene: NEB (nebulin; minus strand). Cytogenetic location: 2q23.3.
Variant type: single nucleotide variant.
Coding change: c.1257+13A>T on transcript NM_001164508.2 (MANE Select); 13 bases into the intron after coding-DNA position 1257, A replaced by T.
Molecular consequence: intron variant.
Genome position (GRCh38, 1-based): chr2:151,697,531, T>A on the plus strand (A>T on the coding strand, the complement: NEB is on the minus strand). VCF-style: chr2-151697531-T-A. GRCh37 (hg19) VCF-style: chr2-152554045-T-A.
Other names: c.1257+13A>T (NM_004543.5, NM_001164507.2, NM_001271208.2).
Identifiers: ClinVar variation 331534 (VCV000331534.15), dbSNP rs75320668, ClinGen allele CA1911641.